The following is an entry in ClinVar:

ClinVar aggregate classification (germline): Pathogenic (1 of 4 stars; one submission).

Submission:

Labcorp Genetics (formerly Invitae), Labcorp
Classification: Pathogenic. Last evaluated: 2022-07-14. Review status: criteria provided, single submitter. Criteria: Invitae Variant Classification Sherloc (09022015). Collection method: clinical testing. Allele origin: germline.
Comment: This sequence change creates a premature translational stop signal (p.Pro51Argfs*58) in the CPOX gene. It is expected to result in an absent or disrupted protein product. Loss-of-function variants in CPOX are known to be pathogenic (PMID: 9888388). This variant is not present in population databases (gnomAD no frequency). This variant has not been reported in the literature in individuals affected with CPOX-related conditions. ClinVar contains an entry for this variant (Variation ID: 1070944). For these reasons, this variant has been classified as Pathogenic.

Literature cited by the submitters: PubMed 9888388.

NM_000097.7(CPOX):c.139_151dup (p.Pro51fs)

Genes: CPOX (coproporphyrinogen oxidase; minus strand), LOC129937121 (ATAC-STARR-seq lymphoblastoid silent region 14560; plus strand). Cytogenetic location: 3q11.2.
Variant type: Duplication.
Coding change: c.139_151dup on transcript NM_000097.7 (MANE Select); coding-DNA positions 139 to 151, 13 bases duplicated (GTCTGCCGGCCCC).
Protein change: p.Pro51fs; shifts the reading frame from proline 51.
Molecular consequence: frameshift variant.
Genome position (GRCh38, 1-based): chr3:98,593,354-98,593,366, GGGGCCGGCAGAC duplicated on the plus strand (GTCTGCCGGCCCC on the coding strand, the reverse complement: CPOX is on the minus strand); duplicating any 13 consecutive bases within chr3:98,593,354-98,593,367 gives the same sequence; the c. name uses the placement nearest the transcript's 3' end. VCF-style (leftmost placement, unchanged base first): chr3-98593353-G-GGGGGCCGGCAGAC. GRCh37 (hg19) VCF-style: chr3-98312197-G-GGGGGCCGGCAGAC.
Other names: short protein forms P51fs.
Identifiers: ClinVar variation 1070944 (VCV001070944.5), dbSNP rs1349358963, ClinGen allele CA784186359.